The following is an entry in ClinVar:

ClinVar aggregate classification (germline): Uncertain significance. Review status: criteria provided, multiple submitters, no conflicts (2 of 4 stars). 2 submissions from 2 submitters: Uncertain significance (2). Last evaluated 2025-03-17.

Allele frequency attached by ClinVar (database versions not stated): TOPMed below 0.00001.
gnomAD v4.1: 3 of 1,547,532 alleles (0.00019%); highest among the groups gnomAD compares: Non-Finnish European, 0.00027%; no homozygotes.

Submissions (2):

Labcorp Genetics (formerly Invitae), Labcorp
Classification: Uncertain significance. Last evaluated: 2025-03-17. Review status: criteria provided, single submitter. Criteria: Invitae Variant Classification Sherloc (09022015). Collection method: clinical testing. Allele origin: germline.
Comment: This sequence change replaces glutamic acid, which is acidic and polar, with lysine, which is basic and polar, at codon 69 of the SCLT1 protein (p.Glu69Lys). This variant is present in population databases (no rsID available, gnomAD 0.007%). This variant has not been reported in the literature in individuals affected with SCLT1-related conditions. ClinVar contains an entry for this variant (Variation ID: 1397923). An algorithm developed to predict the effect of missense changes on protein structure and function (PolyPhen-2) suggests that this variant is likely to be tolerated. In summary, the available evidence is currently insufficient to determine the role of this variant in disease. Therefore, it has been classified as a Variant of Uncertain Significance.

Ambry Genetics
Classification: Uncertain significance. Last evaluated: 2024-09-08. Review status: criteria provided, single submitter. Criteria: Ambry Variant Classification Scheme 2023. Collection method: clinical testing. Allele origin: germline.

NM_144643.4(SCLT1):c.205G>A (p.Glu69Lys)

Gene: SCLT1 (sodium channel and clathrin linker 1; minus strand). Cytogenetic location: 4q28.2.
Variant type: single nucleotide variant.
Coding change: c.205G>A on transcript NM_144643.4 (MANE Select); coding-DNA position 205, G replaced by A.
Protein change: p.Glu69Lys; replaces glutamic acid 69 with lysine.
Molecular consequence: missense variant.
Genome position (GRCh38, 1-based): chr4:129,043,424, C>T on the plus strand (G>A on the coding strand, the complement: SCLT1 is on the minus strand). VCF-style: chr4-129043424-C-T. GRCh37 (hg19) VCF-style: chr4-129964579-C-T.
Other names: c.205G>A, p.Glu69Lys (NM_001300897.2, NM_001300898.2); c.205G>A (NM_144643.2); short protein forms E69K.
Identifiers: ClinVar variation 1397923 (VCV001397923.9), dbSNP rs1259848461, ClinGen allele CA358187617.